The following is an entry in ClinVar:

NM_001171.6(ABCC6):c.3226G>T (p.Val1076Phe)

Gene: ABCC6 (ATP binding cassette subfamily C member 6; minus strand). Cytogenetic location: 16p13.11.
Variant type: single nucleotide variant.
Coding change: c.3226G>T on transcript NM_001171.6 (MANE Select); coding-DNA position 3226, G replaced by T.
Protein change: p.Val1076Phe; replaces valine 1076 with phenylalanine.
Molecular consequence: missense variant. On other transcripts: non-coding transcript variant (1).
Genome position (GRCh38, 1-based): chr16:16,165,703, C>A on the plus strand (G>T on the coding strand, the complement: ABCC6 is on the minus strand). VCF-style: chr16-16165703-C-A. GRCh37 (hg19) VCF-style: chr16-16259560-C-A.
Other names: c.2884G>T, p.Val962Phe (NM_001351800.1); c.3226G>T (NM_001171.5); short protein forms V1076F, V962F.
Identifiers: ClinVar variation 2168687 (VCV002168687.7), dbSNP rs780909519, ClinGen allele CA7925657.

ClinVar aggregate classification (germline): Uncertain significance. Review status: criteria provided, multiple submitters, no conflicts (2 of 4 stars). 5 submissions from 5 submitters: Uncertain significance (5). Last evaluated 2025-11-07.

Conditions:
Autosomal recessive inherited pseudoxanthoma elasticum (PXE). Identifiers: Orphanet 758, MedGen CN032334, MONDO:0009925, OMIM 264800.
Pseudoxanthoma elasticum, forme fruste. Also called: Pseudoxanthoma Elasticum, Incomplete; PSEUDOXANTHOMA ELASTICUM, HETEROZYGOUS. Identifiers: Orphanet 758, MedGen C1867450, MONDO:0008333, OMIM 177850.
Arterial calcification, generalized, of infancy, 2. Identifiers: Orphanet 51608, MedGen C3276161, MONDO:0013768, OMIM 614473.
Inborn genetic diseases. Identifiers: MedGen C0950123, MeSH D030342.
ABCC6-related disorder. Also called: ABCC6-related condition.

Allele frequency attached by ClinVar (database versions not stated): gnomAD 0.00001; ExAC 0.00003; TOPMed 0.00005.
gnomAD v4.1: 11 of 1,613,332 alleles (0.00068%); highest among the groups gnomAD compares: East Asian, 0.022%; no homozygotes.

Submissions (5):

PreventionGenetics, part of Exact Sciences
Classification: Uncertain significance for ABCC6-related condition. Last evaluated: 2025-11-07. Review status: criteria provided, single submitter. Criteria: ACMG Guidelines, 2015. Collection method: clinical testing. Allele origin: germline.
Comment: The ABCC6 c.3226G>T variant is predicted to result in the amino acid substitution p.Val1076Phe. To our knowledge, this variant has not been reported in the literature. This variant is reported in 0.065% of alleles in individuals of East Asian descent in gnomAD, which may be too frequent to be a primary cause of disease. Although we suspect that this variant may be benign, at this time, the clinical significance of this variant is uncertain due to the absence of conclusive functional and genetic evidence.

Ambry Genetics
Classification: Uncertain significance for Inborn genetic diseases. Last evaluated: 2024-05-29. Review status: criteria provided, single submitter. Criteria: Ambry Variant Classification Scheme 2023. Collection method: clinical testing. Allele origin: germline.

Fulgent Genetics
Classification: Uncertain significance for Pseudoxanthoma elasticum, forme fruste; Autosomal recessive inherited pseudoxanthoma elasticum; Arterial calcification, generalized, of infancy, 2. Last evaluated: 2024-01-22. Review status: criteria provided, single submitter. Criteria: ACMG Guidelines, 2015. Collection method: clinical testing. Allele origin: germline.

Labcorp Genetics (formerly Invitae), Labcorp
Classification: Uncertain significance. Last evaluated: 2022-01-18. Review status: criteria provided, single submitter. Criteria: Invitae Variant Classification Sherloc (09022015). Collection method: clinical testing. Allele origin: germline.
Comment: This sequence change replaces valine, which is neutral and non-polar, with phenylalanine, which is neutral and non-polar, at codon 1076 of the ABCC6 protein (p.Val1076Phe). This variant is present in population databases (rs780909519, gnomAD 0.06%). This variant has not been reported in the literature in individuals affected with ABCC6-related conditions. Algorithms developed to predict the effect of missense changes on protein structure and function are either unavailable or do not agree on the potential impact of this missense change (SIFT: "Deleterious"; PolyPhen-2: "Benign"; Align-GVGD: "Class C0"). In summary, the available evidence is currently insufficient to determine the role of this variant in disease. Therefore, it has been classified as a Variant of Uncertain Significance.

Revvity Omics, Revvity
Classification: Uncertain significance. Last evaluated: 2021-03-12. Review status: criteria provided, single submitter. Criteria: ACMG Guidelines, 2015. Collection method: clinical testing. Allele origin: germline.